The following is an entry in ClinVar:

ClinVar aggregate classification (germline): Likely pathogenic (1 of 4 stars; one submission).

Conditions:
Primary ciliary dyskinesia. Also called: Ciliary dyskinesia. Identifiers: Orphanet 244, MedGen C0008780, MONDO:0016575, HP:0012265.

Submission:

Natera, Inc.
Classification: Likely pathogenic for Primary ciliary dyskinesia. Last evaluated: 2024-10-30. Review status: criteria provided, single submitter. Criteria: Natera Variant Classification Schema (03/2026). Collection method: clinical testing. Allele origin: germline.
Comment: The c.518_521del variant in DNAI1 is a frameshift variant predicted to shift the reading frame beginning at codon 173 and leads to a stop codon 4 codons downstream. This variant is expected to result in nonsense mediated decay, truncation, or a dysfunctional protein product. This variant is rare in the general population with a frequency below the threshold expected for the associated phenotype(s). Given the available evidence, this variant is classified as Likely Pathogenic.

NM_012144.4(DNAI1):c.518_521del (p.Thr173fs)

Gene: DNAI1 (dynein axonemal intermediate chain 1; plus strand). Cytogenetic location: 9p13.3.
Variant type: Deletion.
Coding change: c.518_521del on transcript NM_012144.4 (MANE Select); coding-DNA positions 518 to 521, 4 bases deleted (CTGA; older notation c.518_521delCTGA).
Protein change: p.Thr173fs; shifts the reading frame from threonine 173.
Molecular consequence: frameshift variant.
Genome position (GRCh38, 1-based): chr9:34,490,385-34,490,388, CTGA deleted; deleting any 4 consecutive bases within chr9:34,490,382-34,490,388 gives the same sequence; the c. name uses the placement nearest the transcript's 3' end. VCF-style (leftmost placement, unchanged base first): chr9-34490381-GTGAC-G. GRCh37 (hg19) VCF-style: chr9-34490379-GTGAC-G.
Other names: c.530_533del, p.Thr177fs (NM_001281428.2); short protein forms T173fs, T177fs.
Identifiers: ClinVar variation 4815550 (VCV004815550.1).
Genomic context (GRCh38, chr9:34,490,381, plus strand): 5'-ACCACCTTCTCACAGCTGATTCCTGATCCTCTGGGTCTTTATTTTCAGGCAGCTGAAAAA[GTGAC>G]TGAAGAAGAATTGATGACTCCTAAGCAGCCCAAGGAGAGAAAGCTCACTAACCAGTTCAA-3'